The following is an entry in ClinVar:

NM_001254.4(CDC6):c.943+4A>C

Gene: CDC6 (cell division cycle 6; plus strand). Cytogenetic location: 17q21.2.
Variant type: single nucleotide variant.
Coding change: c.943+4A>C on transcript NM_001254.4 (MANE Select); 4 bases into the intron after coding-DNA position 943, A replaced by C.
Molecular consequence: intron variant.
Genome position (GRCh38, 1-based): chr17:40,294,060, A>C. VCF-style: chr17-40294060-A-C. GRCh37 (hg19) VCF-style: chr17-38450312-A-C.
Identifiers: ClinVar variation 1358810 (VCV001358810.6), dbSNP rs745585696, ClinGen allele CA8542010.

ClinVar aggregate classification (germline): Uncertain significance (1 of 4 stars; one submission).

Allele frequency attached by ClinVar (database versions not stated): gnomAD exomes below 0.00001 and 0.00001; ExAC 0.00001.
gnomAD v4.1: 9 of 1,585,370 alleles (0.00057%); highest among the groups gnomAD compares: South Asian, 0.0099%; no homozygotes.

Submission:

Labcorp Genetics (formerly Invitae), Labcorp
Classification: Uncertain significance. Last evaluated: 2021-07-14. Review status: criteria provided, single submitter. Criteria: Invitae Variant Classification Sherloc (09022015). Collection method: clinical testing. Allele origin: germline.
Comment: Nucleotide substitutions within the consensus splice site are a relatively common cause of aberrant splicing (PMID: 17576681, 9536098). Algorithms developed to predict the effect of sequence changes on RNA splicing suggest that this variant may disrupt the consensus splice site. This variant has not been reported in the literature in individuals affected with CDC6-related conditions. This variant is present in population databases (rs745585696, ExAC 0.006%). This sequence change falls in intron 6 of the CDC6 gene. It does not directly change the encoded amino acid sequence of the CDC6 protein. It affects a nucleotide within the consensus splice site of the intron. In summary, the available evidence is currently insufficient to determine the role of this variant in disease. Therefore, it has been classified as a Variant of Uncertain Significance.

Literature cited by the submitters: PubMed 17576681; PubMed 9536098.